The following is an entry in ClinVar:

NM_001927.4(DES):c.635G>C (p.Arg212Pro)

Gene: DES (desmin; plus strand). Cytogenetic location: 2q35.
Variant type: single nucleotide variant.
Coding change: c.635G>C on transcript NM_001927.4 (MANE Select); coding-DNA position 635, G replaced by C.
Protein change: p.Arg212Pro; replaces arginine 212 with proline.
Molecular consequence: missense variant. On other transcripts: intron variant (1).
Genome position (GRCh38, 1-based): chr2:219,420,151, G>C. VCF-style: chr2-219420151-G-C. GRCh37 (hg19) VCF-style: chr2-220284873-G-C.
Other names: c.635G>C, p.Arg212Pro (NM_001382708.1, NM_001382709.1, NM_001382710.1 and 2 more transcripts); c.496-374G>C (NM_001382713.1); short protein forms R212P.
Identifiers: ClinVar variation 4689927 (VCV004689927.1).

ClinVar aggregate classification (germline): Uncertain significance (1 of 4 stars; one submission).

gnomAD v4.1: 2 of 1,614,222 alleles (0.00012%); highest among the groups gnomAD compares: South Asian, 0.0011%; no homozygotes.

Submission:

GeneDx
Classification: Uncertain significance. Last evaluated: 2025-07-30. Review status: criteria provided, single submitter. Criteria: GeneDx Variant Classification Process June 2021. Collection method: clinical testing. Allele origin: germline. Affected: yes.
Comment: Identified in a patient with dilated cardiomyopathy who harbored a second DES variant, however phase was unknown (PMID: 39692270); Not observed at significant frequency in large population cohorts (gnomAD); In silico analysis supports that this missense variant has a deleterious effect on protein structure/function; This variant is associated with the following publications: (PMID: 26807690, 39692270)